The following is an entry in ClinVar:

ClinVar aggregate classification (germline): Uncertain significance (1 of 4 stars; one submission).

Conditions:
Walker-Warburg congenital muscular dystrophy. Also called: Muscular dystrophy-dystroglycanopathy, type A; Walker-Warburg syndrome. Identifiers: Orphanet 899, MedGen C0265221, MONDO:0000171.
Autosomal recessive limb-girdle muscular dystrophy type 2K. Also called: MUSCULAR DYSTROPHY-DYSTROGLYCANOPATHY (LIMB-GIRDLE), TYPE C, 1; MUSCULAR DYSTROPHY, LIMB-GIRDLE, TYPE 2K. Identifiers: Orphanet 86812, MedGen C1836373, MONDO:0012248, OMIM 609308.
Muscular dystrophy-dystroglycanopathy (congenital with impaired intellectual development), type B, 1. Also called: Muscular dystrophy-dystroglycanopathy (congenital with intellectual disability), type B1; MUSCULAR DYSTROPHY, CONGENITAL, POMT1-RELATED. Identifiers: MedGen C5436962, MONDO:0013159, OMIM 613155.

Allele frequency attached by ClinVar (database versions not stated): gnomAD 0.00001.

Submission:

Labcorp Genetics (formerly Invitae), Labcorp
Classification: Uncertain significance for Muscular dystrophy-dystroglycanopathy (congenital with impaired intellectual development), type B, 1; Walker-Warburg congenital muscular dystrophy; Autosomal recessive limb-girdle muscular dystrophy type 2K. Last evaluated: 2022-07-01. Review status: criteria provided, single submitter. Criteria: Invitae Variant Classification Sherloc (09022015). Collection method: clinical testing. Allele origin: germline.
Comment: In summary, the available evidence is currently insufficient to determine the role of this variant in disease. Therefore, it has been classified as a Variant of Uncertain Significance. Algorithms developed to predict the effect of missense changes on protein structure and function are either unavailable or do not agree on the potential impact of this missense change (SIFT: "Deleterious"; PolyPhen-2: "Probably Damaging"; Align-GVGD: "Class C0"). This variant has not been reported in the literature in individuals affected with POMT1-related conditions. This variant is not present in population databases (gnomAD no frequency). This sequence change replaces alanine, which is neutral and non-polar, with aspartic acid, which is acidic and polar, at codon 74 of the POMT1 protein (p.Ala74Asp).

NM_001077365.2(POMT1):c.221C>A (p.Ala74Asp)

Gene: POMT1 (protein O-mannosyltransferase 1; plus strand). Cytogenetic location: 9q34.13.
Variant type: single nucleotide variant.
Coding change: c.221C>A on transcript NM_001077365.2 (MANE Select); coding-DNA position 221, C replaced by A.
Protein change: p.Ala74Asp; replaces alanine 74 with aspartic acid.
Molecular consequence: missense variant. On other transcripts: non-coding transcript variant (7), intron variant (8).
Genome position (GRCh38, 1-based): chr9:131,506,212, C>A. VCF-style: chr9-131506212-C-A. GRCh37 (hg19) VCF-style: chr9-134381599-C-A.
Other names: c.221C>A, p.Ala74Asp (NM_001374690.1, NM_007171.4, NM_001136113.2 and 1 more transcripts); c.59C>A, p.Ala20Asp (NM_001374693.1, NM_001353194.2, NM_001353197.2 and 3 more transcripts); c.-71-1156C>A (NM_001374691.1, NM_001374692.1); c.123-191C>A (NM_001353196.2); c.-122-191C>A (NM_001353195.2, NM_001353199.2, NM_001136114.2); c.-30+1872C>A (NM_001374695.1); c.-80-191C>A (NM_001353200.2); short protein forms A20D, A74D.
Identifiers: ClinVar variation 2177145 (VCV002177145.4), dbSNP rs1309626764, ClinGen allele CA375305752.